The following is an entry in ClinVar:

NM_001276345.2(TNNT2):c.659A>T (p.Lys220Met)

Gene: TNNT2 (troponin T2, cardiac type; minus strand). Cytogenetic location: 1q32.1.
Variant type: single nucleotide variant.
Coding change: c.659A>T on transcript NM_001276345.2 (MANE Select); coding-DNA position 659, A replaced by T.
Protein change: p.Lys220Met; replaces lysine 220 with methionine.
Molecular consequence: missense variant.
Genome position (GRCh38, 1-based): chr1:201,361,973, T>A on the plus strand (A>T on the coding strand, the complement: TNNT2 is on the minus strand). VCF-style: chr1-201361973-T-A. GRCh37 (hg19) VCF-style: chr1-201331101-T-A.
Other names: c.650A>T, p.Lys217Met (NM_000364.4); c.629A>T, p.Lys210Met (NM_001001430.3, NM_001276347.2); c.620A>T, p.Lys207Met (NM_001001431.3); c.611A>T, p.Lys204Met (NM_001001432.3); c.530A>T, p.Lys177Met (NM_001276346.2); short protein forms K210M, K204M, K220M, K207M, K177M, K217M.
Identifiers: ClinVar variation 836380 (VCV000836380.19), dbSNP rs190805300, ClinGen allele CA089099.

ClinVar aggregate classification (germline): Uncertain significance. Review status: criteria provided, multiple submitters, no conflicts (2 of 4 stars). 9 submissions from 7 submitters: Uncertain significance (9). Last evaluated 2025-08-11.

Conditions:
Cardiomyopathy (CMYO). Also called: Cardiomyopathies. Identifiers: Orphanet 167848, MedGen C0878544, MONDO:0004994, HP:0001638. Inheritance: Various modes of inheritance.
Hypertrophic cardiomyopathy 2. Also called: TNNT2-Related Familial Hypertrophic Cardiomyopathy. Identifiers: MedGen C1861864, MONDO:0007266, OMIM 115195.
Dilated cardiomyopathy 1D. Identifiers: Orphanet 154, Orphanet 54260, MedGen C1832243, MONDO:0011095, OMIM 601494.
Cardiomyopathy, familial restrictive, 3. Identifiers: Orphanet 75249, MedGen C2676271, MONDO:0012900, OMIM 612422.

Allele frequency attached by ClinVar (database versions not stated): ExAC 0.00001; gnomAD 0.00001 and 0.00002; TOPMed 0.00002; 1000 Genomes Project 30x 0.00016; 1000 Genomes Project 0.00020.
gnomAD v4.1: 17 of 1,614,016 alleles (0.0011%); highest among the groups gnomAD compares: Admixed American, 0.0083%; no homozygotes.

Submissions (9):

Labcorp Genetics (formerly Invitae), Labcorp
Classification: Uncertain significance for Cardiomyopathy, familial restrictive, 3; Hypertrophic cardiomyopathy 2; Dilated cardiomyopathy 1D. Last evaluated: 2025-08-11. Review status: criteria provided, single submitter. Criteria: Invitae Variant Classification Sherloc (09022015). Collection method: clinical testing. Allele origin: germline.
Comment: This sequence change replaces lysine, which is basic and polar, with methionine, which is neutral and non-polar, at codon 210 of the TNNT2 protein (p.Lys210Met). This variant is present in population databases (rs190805300, gnomAD 0.01%). This variant has not been reported in the literature in individuals affected with TNNT2-related conditions. ClinVar contains an entry for this variant (Variation ID: 836380). Invitae Evidence Modeling of protein sequence and biophysical properties (such as structural, functional, and spatial information, amino acid conservation, physicochemical variation, residue mobility, and thermodynamic stability) indicates that this missense variant is not expected to disrupt TNNT2 protein function with a negative predictive value of 80%. In summary, the available evidence is currently insufficient to determine the role of this variant in disease. Therefore, it has been classified as a Variant of Uncertain Significance.

GeneDx
Classification: Uncertain significance. Last evaluated: 2025-04-04. Review status: criteria provided, single submitter. Criteria: GeneDx Variant Classification Process June 2021. Collection method: clinical testing. Allele origin: germline. Affected: yes.

All of Us Research Program, National Institutes of Health
Classification: Uncertain significance for Cardiomyopathy. Last evaluated: 2024-08-13. Review status: criteria provided, single submitter. Criteria: ACMG Guidelines, 2015. Collection method: clinical testing. Allele origin: germline. Inheritance: Autosomal dominant inheritance. Observed: 3 variant alleles, 3 heterozygotes.
Comment: This missense variant replaces lysine with methionine at codon 210 of the TNNT2 protein. Computational prediction suggests that this variant may have deleterious impact on protein structure and function (internally defined REVEL score threshold >= 0.7, PMID: 27666373). To our knowledge, functional studies have not been reported for this variant. This variant has not been reported in individuals affected with cardiovascular disorders in the literature. This variant has been identified in 8/251486 chromosomes in the general population by the Genome Aggregation Database (gnomAD). The available evidence is insufficient to determine the role of this variant in disease conclusively. Therefore, this variant is classified as a Variant of Uncertain Significance.

This study involves interpretation of variants in research participants for the purpose of population health screening. Participant phenotype was not available at the time of variant classification. Additional details can be found in publication PMID: 35346344, PMCID: PMC8962531

Color Diagnostics, LLC DBA Color Health
Classification: Uncertain significance for Cardiomyopathy. Last evaluated: 2024-07-25. Review status: criteria provided, single submitter. Criteria: ACMG Guidelines, 2015. Collection method: clinical testing. Allele origin: germline.
Comment: This missense variant replaces lysine with methionine at codon 210 of the TNNT2 protein. Computational prediction tools indicate that this variant has a deleterious impact on protein structure and function. To our knowledge, functional studies have not been reported for this variant. This variant has not been reported in individuals affected with TNNT2-related disorders in the literature. This variant has been identified in 8/251486 chromosomes in the general population by the Genome Aggregation Database (gnomAD). The available evidence is insufficient to determine the role of this variant in disease conclusively. Therefore, this variant is classified as a Variant of Uncertain Significance.

Genome-Nilou Lab
Classification: Uncertain significance for Dilated cardiomyopathy 1D. Last evaluated: 2023-04-11. Review status: criteria provided, single submitter. Criteria: ACMG Guidelines, 2015. Collection method: clinical testing. Allele origin: germline. Affected: no.

Genome-Nilou Lab
Classification: Uncertain significance for Cardiomyopathy, familial restrictive, 3. Last evaluated: 2023-04-11. Review status: criteria provided, single submitter. Criteria: ACMG Guidelines, 2015. Collection method: clinical testing. Allele origin: germline. Affected: no.

Genome-Nilou Lab
Classification: Uncertain significance for Hypertrophic cardiomyopathy 2. Last evaluated: 2023-04-11. Review status: criteria provided, single submitter. Criteria: ACMG Guidelines, 2015. Collection method: clinical testing. Allele origin: germline. Affected: no.

Institute of Human Genetics, Clinical Exome/Genome Diagnostics Group, University Hospital Bonn
Classification: Uncertain significance. Last evaluated: 2022-07-12. Review status: criteria provided, single submitter. Criteria: ACMG Guidelines, 2015. Collection method: clinical testing. Allele origin: germline. Affected: yes.

Fulgent Genetics
Classification: Uncertain significance for Hypertrophic cardiomyopathy 2; Dilated cardiomyopathy 1D; Cardiomyopathy, familial restrictive, 3. Last evaluated: 2021-08-05. Review status: criteria provided, single submitter. Criteria: ACMG Guidelines, 2015. Collection method: clinical testing. Allele origin: unknown.